The following is an entry in ClinVar:

ClinVar aggregate classification (germline): Uncertain significance (1 of 4 stars; one submission).

Allele frequency attached by ClinVar (database versions not stated): gnomAD exomes below 0.00001; TOPMed below 0.00001.
gnomAD v4.1: 1 of 1,612,110 alleles (0.000062%); highest among the groups gnomAD compares: African/African-American, 0.0013%; no homozygotes.

Submission:

Labcorp Genetics (formerly Invitae), Labcorp
Classification: Uncertain significance. Last evaluated: 2024-02-23. Review status: criteria provided, single submitter. Criteria: Invitae Variant Classification Sherloc (09022015). Collection method: clinical testing. Allele origin: germline.
Comment: This sequence change replaces glycine, which is neutral and non-polar, with arginine, which is basic and polar, at codon 98 of the TSPAN12 protein (p.Gly98Arg). This variant is present in population databases (no rsID available, gnomAD 0.007%). This variant has not been reported in the literature in individuals affected with TSPAN12-related conditions. ClinVar contains an entry for this variant (Variation ID: 1044492). Advanced modeling of protein sequence and biophysical properties (such as structural, functional, and spatial information, amino acid conservation, physicochemical variation, residue mobility, and thermodynamic stability) performed at Invitae indicates that this missense variant is not expected to disrupt TSPAN12 protein function with a negative predictive value of 80%. In summary, the available evidence is currently insufficient to determine the role of this variant in disease. Therefore, it has been classified as a Variant of Uncertain Significance.

NM_012338.4(TSPAN12):c.292G>C (p.Gly98Arg)

Gene: TSPAN12 (tetraspanin 12; minus strand). Cytogenetic location: 7q31.31.
Variant type: single nucleotide variant.
Coding change: c.292G>C on transcript NM_012338.4 (MANE Select); coding-DNA position 292, G replaced by C.
Protein change: p.Gly98Arg; replaces glycine 98 with arginine.
Molecular consequence: missense variant.
Genome position (GRCh38, 1-based): chr7:120,815,797, C>G on the plus strand (G>C on the coding strand, the complement: TSPAN12 is on the minus strand). VCF-style: chr7-120815797-C-G. GRCh37 (hg19) VCF-style: chr7-120455851-C-G.
Other names: short protein forms G98R.
Identifiers: ClinVar variation 1044492 (VCV001044492.8), dbSNP rs1303267547, ClinGen allele CA369139188.
Genomic context (GRCh38, chr7:120,815,797, plus strand): 5'-CCTGTTCATATGTCCAAACGCCACAAGCCAGTTCTACACAGAAAATGACAAGCAAACTTC[C>G]AAAGTACTGTAGAAAAACAGAAAAGTATGCTGTTATAGTATCAGAATAAAATAGGCTCCT-3'
Protein context (NP_036470.1, residues 88-108): RNLLLLAWYF[Gly98Arg]SLLVIFCVEL